The following is an entry in ClinVar:

ClinVar aggregate classification (germline): Uncertain significance. Review status: criteria provided, multiple submitters, no conflicts (2 of 4 stars). 2 submissions from 2 submitters: Uncertain significance (2). Last evaluated 2026-02-17.

Conditions:
CREB3L3-related disorder. Also called: CREB3L3-related condition.

gnomAD v4.1: 7 of 1,614,082 alleles (0.00043%); highest among the groups gnomAD compares: Non-Finnish European, 0.00059%; no homozygotes.

Submissions (2):

PreventionGenetics, part of Exact Sciences
Classification: Uncertain significance for CREB3L3-related condition. Last evaluated: 2026-02-17. Review status: criteria provided, single submitter. Criteria: ACMG Guidelines, 2015. Collection method: clinical testing. Allele origin: germline.
Comment: The CREB3L3 c.344C>A variant is predicted to result in the amino acid substitution p.Pro115His. To our knowledge, this variant has not been reported in the literature or in a large population database (gnomAD), indicating this variant is rare. At this time, the clinical significance of this variant is uncertain due to the absence of conclusive functional and genetic evidence.

Blueprint Genetics
Classification: Uncertain significance. Last evaluated: 2021-09-15. Review status: criteria provided, single submitter. Criteria: ACMG Guidelines, 2015. Collection method: clinical testing. Allele origin: germline.

NM_032607.3(CREB3L3):c.344C>A (p.Pro115His)

Gene: CREB3L3 (cAMP responsive element binding protein 3 like 3; plus strand). Cytogenetic location: 19p13.3.
Variant type: single nucleotide variant.
Coding change: c.344C>A on transcript NM_032607.3 (MANE Select); coding-DNA position 344, C replaced by A.
Protein change: p.Pro115His; replaces proline 115 with histidine.
Molecular consequence: missense variant.
Genome position (GRCh38, 1-based): chr19:4,157,182, C>A. VCF-style: chr19-4157182-C-A. GRCh37 (hg19) VCF-style: chr19-4157179-C-A.
Other names: c.341C>A, p.Pro114His (NM_001271995.2); c.344C>A, p.Pro115His (NM_001271996.2, NM_001271997.2); c.344C>A (NM_032607.2); short protein forms P114H, P115H.
Identifiers: ClinVar variation 4940006 (VCV004940006.2).
Genomic context (GRCh38, chr19:4,157,182, plus strand): 5'-CCGACCCCCAGGACACCCCTCCACGCAGCGGACCAGCCACCTCCCCCGCCGGCTGCCATC[C>A]TGCCCAGCCTGGCAAGGGGCCCTGCCTCTCCTATCATCCTGGCAACTCTTGCTCCACCAC-3'
Protein context (NP_115996.1, residues 105-125): GPATSPAGCH[Pro115His]AQPGKGPCLS